The following is an entry in ClinVar:

ClinVar aggregate classification (germline): Uncertain significance. Review status: criteria provided, multiple submitters, no conflicts (2 of 4 stars). 2 submissions from 2 submitters: Uncertain significance (2). Last evaluated 2025-12-06.

Conditions:
Amyotrophic lateral sclerosis type 21. Also called: MYOPATHY, DISTAL, 2; VOCAL CORD AND PHARYNGEAL DYSFUNCTION WITH DISTAL MYOPATHY. Identifiers: Orphanet 600, Orphanet 803, MedGen C3807521, MONDO:0011632, OMIM 606070.
Inborn genetic diseases. Identifiers: MedGen C0950123, MeSH D030342.

Allele frequency attached by ClinVar (database versions not stated): gnomAD 0.00002; TOPMed 0.00002.
gnomAD v4.1: 26 of 1,613,960 alleles (0.0016%); highest among the groups gnomAD compares: South Asian, 0.0022%; no homozygotes.

Submissions (2):

Labcorp Genetics (formerly Invitae), Labcorp
Classification: Uncertain significance for Amyotrophic lateral sclerosis type 21. Last evaluated: 2025-12-06. Review status: criteria provided, single submitter. Criteria: Invitae Variant Classification Sherloc (09022015). Collection method: clinical testing. Allele origin: germline.
Comment: This sequence change replaces arginine, which is basic and polar, with cysteine, which is neutral and slightly polar, at codon 496 of the MATR3 protein (p.Arg496Cys). This variant is present in population databases (no rsID available, gnomAD 0.003%). This variant has not been reported in the literature in individuals affected with MATR3-related conditions. ClinVar contains an entry for this variant (Variation ID: 2850834). Invitae Evidence Modeling of protein sequence and biophysical properties (such as structural, functional, and spatial information, amino acid conservation, physicochemical variation, residue mobility, and thermodynamic stability) indicates that this missense variant is not expected to disrupt MATR3 protein function with a negative predictive value of 80%. In summary, the available evidence is currently insufficient to determine the role of this variant in disease. Therefore, it has been classified as a Variant of Uncertain Significance.

Ambry Genetics
Classification: Uncertain significance for Inborn genetic diseases. Last evaluated: 2025-05-14. Review status: criteria provided, single submitter. Criteria: Ambry Variant Classification Scheme 2023. Collection method: clinical testing. Allele origin: germline.

NM_018834.6(MATR3):c.1486C>T (p.Arg496Cys)

Gene: MATR3 (matrin 3; plus strand). Cytogenetic location: 5q31.2.
Variant type: single nucleotide variant.
Coding change: c.1486C>T on transcript NM_018834.6 (MANE Select); coding-DNA position 1486, C replaced by T.
Protein change: p.Arg496Cys; replaces arginine 496 with cysteine.
Molecular consequence: missense variant.
Genome position (GRCh38, 1-based): chr5:139,319,385, C>T. VCF-style: chr5-139319385-C-T. GRCh37 (hg19) VCF-style: chr5-138655074-C-T.
Other names: c.1486C>T (NM_199189.2); c.1486C>T, p.Arg496Cys (NM_001194954.2, NM_001194955.2, NM_001400441.1 and 16 more transcripts); c.622C>T, p.Arg208Cys (NM_001194956.2); c.472C>T, p.Arg158Cys (NM_001282278.2, NM_001400460.1, NM_001400462.1 and 5 more transcripts); c.625C>T, p.Arg209Cys (NM_001400459.1); c.586C>T, p.Arg196Cys (NM_001400461.1); short protein forms R158C, R208C, R496C, R196C, R209C.
Identifiers: ClinVar variation 2850834 (VCV002850834.4), dbSNP rs1321872002, ClinGen allele CA361141355.
Genomic context (GRCh38, chr5:139,319,385, plus strand): 5'-TTATTAAAGAAACCTGAAGGAAAGCCAGATCAGAAGTTTGATCAAAAGCAAGAGCTTGGA[C>T]GTGTGATACATCTCAGCAATTTGCCGCATTCTGGCTATTCTGATAGTGCTGTTCTCAAGC-3'
Protein context (NP_061322.2, residues 486-506): QKFDQKQELG[Arg496Cys]VIHLSNLPHS